The following is an entry in ClinVar:

NM_000492.4(CFTR):c.2354G>T (p.Arg785Leu)

Gene: CFTR (CF transmembrane conductance regulator; plus strand). Cytogenetic location: 7q31.2.
Variant type: single nucleotide variant.
Coding change: c.2354G>T on transcript NM_000492.4 (MANE Select); coding-DNA position 2354, G replaced by T.
Protein change: p.Arg785Leu; replaces arginine 785 with leucine.
Molecular consequence: missense variant.
Genome position (GRCh38, 1-based): chr7:117,592,521, G>T. VCF-style: chr7-117592521-G-T. GRCh37 (hg19) VCF-style: chr7-117232575-G-T.
Other names: short protein forms R785L.
Identifiers: ClinVar variation 1790058 (VCV001790058.3), dbSNP rs141880790, ClinGen allele CA368981042.

ClinVar aggregate classification (germline): Uncertain significance (1 of 4 stars; one submission).

Conditions:
Cystic fibrosis (CF). Also called: MUCOVISCIDOSIS. Identifiers: Orphanet 586, MedGen C0010674, MONDO:0009061, OMIM 219700. Disease mechanism: loss of function.

gnomAD v4.1: 3 of 1,527,968 alleles (0.0002%); highest among the groups gnomAD compares: Non-Finnish European, 0.00026%; no homozygotes.

Submission:

Ambry Genetics
Classification: Uncertain significance for Cystic fibrosis. Last evaluated: 2025-08-02. Review status: criteria provided, single submitter. Criteria: Ambry Variant Classification Scheme 2023. Collection method: clinical testing. Allele origin: germline.
Comment: The p.R785L variant (also known as c.2354G>T), located in coding exon 14 of the CFTR gene, results from a G to T substitution at nucleotide position 2354. The arginine at codon 785 is replaced by leucine, an amino acid with dissimilar properties. This amino acid position is not well conserved in available vertebrate species. In addition, the in silico prediction for this alteration is inconclusive. Since supporting evidence is limited at this time, the clinical significance of this alteration remains unclear.